The following is an entry in ClinVar:

NM_000137.4(FAH):c.866A>G (p.His289Arg)

Gene: FAH (fumarylacetoacetate hydrolase; plus strand). Cytogenetic location: 15q25.1.
Variant type: single nucleotide variant.
Coding change: c.866A>G on transcript NM_000137.4 (MANE Select); coding-DNA position 866, A replaced by G.
Protein change: p.His289Arg; replaces histidine 289 with arginine.
Molecular consequence: missense variant.
Genome position (GRCh38, 1-based): chr15:80,175,044, A>G. VCF-style: chr15-80175044-A-G. GRCh37 (hg19) VCF-style: chr15-80467386-A-G.
Other names: c.866A>G, p.His289Arg (NM_001374377.1, NM_001374380.1); short protein forms H289R.
Identifiers: ClinVar variation 2186204 (VCV002186204.1), dbSNP rs748412164, ClinGen allele CA7691380.

ClinVar aggregate classification (germline): Uncertain significance (1 of 4 stars; one submission).

Conditions:
Tyrosinemia type I (TYRSN1). Also called: Tyrosinemia type 1; Fumarylacetoacetase deficiency; Deficiency of fumarylacetoacetase; FAH DEFICIENCY; HEPATORENAL TYROSINEMIA. Identifiers: Orphanet 882, MedGen C0268490, MONDO:0010161, OMIM 276700. Disease mechanism: loss of function.

Allele frequency attached by ClinVar (database versions not stated): gnomAD exomes 0.00001; ExAC 0.00002.
gnomAD v4.1: 20 of 1,611,436 alleles (0.0012%); highest among the groups gnomAD compares: South Asian, 0.022%; no homozygotes.

Submission:

Labcorp Genetics (formerly Invitae), Labcorp
Classification: Uncertain significance for Tyrosinemia type I. Last evaluated: 2022-07-26. Review status: criteria provided, single submitter. Criteria: Invitae Variant Classification Sherloc (09022015). Collection method: clinical testing. Allele origin: germline.
Comment: This sequence change replaces histidine, which is basic and polar, with arginine, which is basic and polar, at codon 289 of the FAH protein (p.His289Arg). This variant is present in population databases (rs748412164, gnomAD 0.01%). This variant has not been reported in the literature in individuals affected with FAH-related conditions. Advanced modeling of protein sequence and biophysical properties (such as structural, functional, and spatial information, amino acid conservation, physicochemical variation, residue mobility, and thermodynamic stability) performed at Invitae indicates that this missense variant is not expected to disrupt FAH protein function. In summary, the available evidence is currently insufficient to determine the role of this variant in disease. Therefore, it has been classified as a Variant of Uncertain Significance.